The following is an entry in ClinVar:

ClinVar aggregate classification (germline): Uncertain significance (1 of 4 stars; one submission).

Conditions:
Neuronopathy, distal hereditary motor, type 7A. Also called: Neuronopathy, distal hereditary motor, type viia; NEURONOPATHY, DISTAL HEREDITARY MOTOR, HARDING TYPE VIIA; NEUROPATHY, DISTAL HEREDITARY MOTOR, HARDING TYPE VIIA; Neuronopathy, distal hereditary motor, autosomal dominant 7; HARPER-YOUNG MYOPATHY; HMN VIIA. Identifiers: Orphanet 139589, MedGen C1834703, MONDO:0008024, OMIM 158580.
Congenital myasthenic syndrome 20. Also called: Myasthenic syndrome, congenital, 20, presynaptic. Identifiers: MedGen C4310694, MONDO:0014939, OMIM 617143.

Submission:

Labcorp Genetics (formerly Invitae), Labcorp
Classification: Uncertain significance for Neuronopathy, distal hereditary motor, type 7A; Congenital myasthenic syndrome 20. Last evaluated: 2021-02-14. Review status: criteria provided, single submitter. Criteria: Invitae Variant Classification Sherloc (09022015). Collection method: clinical testing. Allele origin: germline.
Comment: In summary, the available evidence is currently insufficient to determine the role of this variant in disease. Therefore, it has been classified as a Variant of Uncertain Significance. Algorithms developed to predict the effect of missense changes on protein structure and function (SIFT, PolyPhen-2, Align-GVGD) all suggest that this variant is likely to be disruptive, but these predictions have not been confirmed by published functional studies and their clinical significance is uncertain. This variant has not been reported in the literature in individuals with SLC5A7-related conditions. This variant is not present in population databases (ExAC no frequency). This sequence change replaces glycine with arginine at codon 434 of the SLC5A7 protein (p.Gly434Arg). The glycine residue is highly conserved and there is a moderate physicochemical difference between glycine and arginine.

NM_021815.5(SLC5A7):c.1300G>A (p.Gly434Arg)

Gene: SLC5A7 (solute carrier family 5 member 7; plus strand). Cytogenetic location: 2q12.3.
Variant type: single nucleotide variant.
Coding change: c.1300G>A on transcript NM_021815.5 (MANE Select); coding-DNA position 1300, G replaced by A.
Protein change: p.Gly434Arg; replaces glycine 434 with arginine.
Molecular consequence: missense variant.
Genome position (GRCh38, 1-based): chr2:108,010,418, G>A. VCF-style: chr2-108010418-G-A. GRCh37 (hg19) VCF-style: chr2-108626874-G-A.
Other names: c.1300G>A, p.Gly434Arg (NM_001305005.3); c.985G>A, p.Gly329Arg (NM_001305006.3); c.559G>A, p.Gly187Arg (NM_001305007.3); short protein forms G329R, G187R, G434R.
Identifiers: ClinVar variation 1372121 (VCV001372121.8), dbSNP rs2104383123, ClinGen allele CA348114276.